The following is an entry in ClinVar:

ClinVar aggregate classification (germline): Benign/Likely benign. Review status: criteria provided, multiple submitters, no conflicts (2 of 4 stars). 8 submissions from 8 submitters: Benign (6); Likely benign (2). Last evaluated 2026-01-17.

Conditions:
Autosomal dominant nonsyndromic hearing loss 25. Identifiers: Orphanet 90635, MedGen C1854158, MONDO:0011568, OMIM 605583.

Allele frequency attached by ClinVar (database versions not stated): gnomAD exomes 0.00021 and 0.00061; ExAC 0.00077; ESP Exome Variant Server 0.00169; 1000 Genomes Project 0.00180; 1000 Genomes Project 30x 0.00187; gnomAD 0.00237 and 0.00261; TOPMed 0.00258.
gnomAD v4.1: 670 of 1,614,112 alleles (0.042%); highest among the groups gnomAD compares: African/African-American, 0.78%; 6 homozygotes.

Submissions (8):

Labcorp Genetics (formerly Invitae), Labcorp
Classification: Benign. Last evaluated: 2026-01-17. Review status: criteria provided, single submitter. Criteria: Invitae Variant Classification Sherloc (09022015). Collection method: clinical testing. Allele origin: germline.

Blueprint Genetics
Classification: Likely benign. Last evaluated: 2024-11-13. Review status: criteria provided, single submitter. Criteria: ACMG Guidelines, 2015. Collection method: clinical testing. Allele origin: germline.

CeGaT Center for Human Genetics Tuebingen
Classification: Benign. Last evaluated: 2023-02-01. Review status: criteria provided, single submitter. Criteria: CeGaT Center For Human Genetics Tuebingen Variant Classification Criteria Version 2. Collection method: clinical testing. Allele origin: germline. Affected: yes. Observed: 1 variant allele.
Comment: SLC17A8: BP4, BP7, BS1, BS2

Fulgent Genetics
Classification: Likely benign for Autosomal dominant nonsyndromic hearing loss 25. Last evaluated: 2021-09-08. Review status: criteria provided, single submitter. Criteria: ACMG Guidelines, 2015. Collection method: clinical testing. Allele origin: unknown.

GeneDx
Classification: Benign. Last evaluated: 2020-03-31. Review status: criteria provided, single submitter. Criteria: GeneDx Variant Classification Process June 2021. Collection method: clinical testing. Allele origin: germline. Affected: yes.

Illumina Laboratory Services, Illumina
Classification: Benign for Autosomal dominant nonsyndromic hearing loss 25. Last evaluated: 2018-01-12. Review status: criteria provided, single submitter. Criteria: ICSL Variant Classification Criteria 13 December 2019. Collection method: clinical testing. Allele origin: germline.
Comment: This variant was observed in the ICSL laboratory as part of a predisposition screen in an ostensibly healthy population. It had not been previously curated by ICSL or reported in the Human Gene Mutation Database (HGMD: prior to June 1st, 2018), and was therefore a candidate for classification through an automated scoring system. Utilizing variant allele frequency, disease prevalence and penetrance estimates, and inheritance mode, an automated score was calculated to assess if this variant is too frequent to cause the disease. Based on the score and internal cut-off values, a variant classified as benign is not then subjected to further curation. The score for this variant resulted in a classification of benign for this disease.

Eurofins Ntd Llc (ga)
Classification: Benign. Last evaluated: 2015-01-29. Review status: criteria provided, single submitter. Criteria: EGL Classification Definitions 2015. Collection method: clinical testing. Allele origin: germline. Observed: 1 variant allele, 1 heterozygote.

PreventionGenetics, part of Exact Sciences
Classification: Benign. Review status: criteria provided, single submitter. Criteria: ACMG Guidelines, 2015. Collection method: clinical testing. Allele origin: germline.

NM_139319.3(SLC17A8):c.858T>C (p.Tyr286=)

Gene: SLC17A8 (solute carrier family 17 member 8; plus strand). Cytogenetic location: 12q23.1.
Variant type: single nucleotide variant.
Coding change: c.858T>C on transcript NM_139319.3 (MANE Select); coding-DNA position 858, T replaced by C.
Protein change: p.Tyr286=; no amino-acid change (tyrosine 286 retained).
Molecular consequence: synonymous variant.
Genome position (GRCh38, 1-based): chr12:100,402,434, T>C. VCF-style: chr12-100402434-T-C. GRCh37 (hg19) VCF-style: chr12-100796212-T-C.
Other names: c.858T>C, p.Tyr286= (NM_001145288.2).
Identifiers: ClinVar variation 198617 (VCV000198617.44), dbSNP rs148882860, ClinGen allele CA203524.